The following is an entry in ClinVar:

NM_001367479.1(DNAH14):c.11550A>C (p.Glu3850Asp)

Gene: DNAH14 (dynein axonemal heavy chain 14; plus strand). Cytogenetic location: 1q42.12.
Variant type: single nucleotide variant.
Coding change: c.11550A>C on transcript NM_001367479.1 (MANE Select); coding-DNA position 11550, A replaced by C.
Protein change: p.Glu3850Asp; replaces glutamic acid 3850 with aspartic acid.
Molecular consequence: missense variant.
Genome position (GRCh38, 1-based): chr1:225,353,819, A>C. VCF-style: chr1-225353819-A-C. GRCh37 (hg19) VCF-style: chr1-225541521-A-C.
Other names: NM_001373.1:c.11271A>C; short protein forms E3850D.
Identifiers: ClinVar variation 4975052 (VCV004975052.1).
Genomic context (GRCh38, chr1:225,353,819, plus strand): 5'-TATTTGACTGTTAATGCCAGTTTCTTTCTCTAAATTATATCTAGCTGAACTTTTGAATGA[A>C]AATAAAGAAACGTGTAATCCTATAAATTTTCCCTGGGAGAAACTCACTTCATTTCAAAGA-3'
Protein context (NP_001354408.1, residues 3840-3860): KPPEETELLN[Glu3850Asp]NKETCNPINF

ClinVar aggregate classification (germline): Uncertain significance (1 of 4 stars; one submission).

gnomAD v4.1: 41 of 1,506,664 alleles (0.0027%); highest among the groups gnomAD compares: African/African-American, 0.052%; no homozygotes.

Submission:

GeneDx
Classification: Uncertain significance. Last evaluated: 2026-02-19. Review status: criteria provided, single submitter. Criteria: GeneDx Variant Classification Process June 2021. Collection method: clinical testing. Allele origin: germline.
Comment: In silico analysis suggests that this missense variant does not alter protein structure/function; Has not been previously published as pathogenic or benign to our knowledge